The following is an entry in ClinVar:

NM_018834.6(MATR3):c.1487G>A (p.Arg496His)

Gene: MATR3 (matrin 3; plus strand). Cytogenetic location: 5q31.2.
Variant type: single nucleotide variant.
Coding change: c.1487G>A on transcript NM_018834.6 (MANE Select); coding-DNA position 1487, G replaced by A.
Protein change: p.Arg496His; replaces arginine 496 with histidine.
Molecular consequence: missense variant.
Genome position (GRCh38, 1-based): chr5:139,319,386, G>A. VCF-style: chr5-139319386-G-A. GRCh37 (hg19) VCF-style: chr5-138655075-G-A.
Other names: p.Arg496His; c.1487G>A, p.Arg496His (NM_001194954.2, NM_001194955.2, NM_001400441.1 and 16 more transcripts); c.623G>A, p.Arg208His (NM_001194956.2); c.473G>A, p.Arg158His (NM_001282278.2, NM_001400460.1, NM_001400462.1 and 5 more transcripts); c.626G>A, p.Arg209His (NM_001400459.1); c.587G>A, p.Arg196His (NM_001400461.1); short protein forms R496H, R208H, R158H, R196H, R209H.
Identifiers: ClinVar variation 4541067 (VCV004541067.2).

ClinVar aggregate classification (germline): Uncertain significance. Review status: criteria provided, multiple submitters, no conflicts (2 of 4 stars). 2 submissions from 2 submitters: Uncertain significance (2). Last evaluated 2025-11-03.

Conditions:
Amyotrophic lateral sclerosis type 21. Also called: VOCAL CORD AND PHARYNGEAL DYSFUNCTION WITH DISTAL MYOPATHY; MYOPATHY, DISTAL, 2. Identifiers: Orphanet 600, Orphanet 803, MedGen C3807521, MONDO:0011632, OMIM 606070.

gnomAD v4.1: 3 of 1,614,040 alleles (0.00019%); highest among the groups gnomAD compares: African/African-American, 0.0013%; no homozygotes.

Submissions (2):

Labcorp Genetics (formerly Invitae), Labcorp
Classification: Uncertain significance for Amyotrophic lateral sclerosis type 21. Last evaluated: 2025-11-03. Review status: criteria provided, single submitter. Criteria: Invitae Variant Classification Sherloc (09022015). Collection method: clinical testing. Allele origin: germline.
Comment: This sequence change replaces arginine, which is basic and polar, with histidine, which is basic and polar, at codon 496 of the MATR3 protein (p.Arg496His). This variant is present in population databases (rs368389424, gnomAD 0.008%). This variant has not been reported in the literature in individuals affected with MATR3-related conditions. Invitae Evidence Modeling of protein sequence and biophysical properties (such as structural, functional, and spatial information, amino acid conservation, physicochemical variation, residue mobility, and thermodynamic stability) indicates that this missense variant is not expected to disrupt MATR3 protein function with a negative predictive value of 80%. In summary, the available evidence is currently insufficient to determine the role of this variant in disease. Therefore, it has been classified as a Variant of Uncertain Significance.

Mayo Clinic Laboratories, Mayo Clinic
Classification: Uncertain significance. Last evaluated: 2025-06-12. Review status: criteria provided, single submitter. Criteria: ACMG Guidelines, 2015. Collection method: clinical testing. Allele origin: germline. Observed: 1 variant allele.